The following is an entry in ClinVar:

ClinVar aggregate classification (germline): Benign. Review status: criteria provided, multiple submitters, no conflicts (2 of 4 stars). 3 submissions from 3 submitters: Benign (3). Last evaluated 2026-02-03.

Conditions:
Intellectual developmental disorder, autosomal dominant 6, with or without seizures. Also called: Intellectual disability, autosomal dominant 6; GRIN2B-related developmental delay, intellectual disability and autism spectrum disorder. Identifiers: Orphanet 589547, MedGen C3151411, MONDO:0013509, OMIM 613970.
Developmental and epileptic encephalopathy, 27 (DEE27). Also called: Epileptic encephalopathy, early infantile, 27; GRIN2B-Related Neurodevelopmental Disorder. Identifiers: Orphanet 3451, MedGen C4015316, MONDO:0014505, OMIM 616139.

Allele frequency attached by ClinVar (database versions not stated): gnomAD exomes 0.00708 and 0.01232; ExAC 0.01434; gnomAD 0.03526 and 0.03782; 1000 Genomes Project 0.03614; 1000 Genomes Project 30x 0.03732; TOPMed 0.03971; ESP Exome Variant Server 0.04221.
gnomAD v4.1: 15,971 of 1,604,228 alleles (1%); highest among the groups gnomAD compares: African/African-American, 11%; 548 homozygotes.

Submissions (3):

Labcorp Genetics (formerly Invitae), Labcorp
Classification: Benign for Developmental and epileptic encephalopathy, 27; Intellectual developmental disorder, autosomal dominant 6, with or without seizures. Last evaluated: 2026-02-03. Review status: criteria provided, single submitter. Criteria: Invitae Variant Classification Sherloc (09022015). Collection method: clinical testing. Allele origin: germline.

GeneDx
Classification: Benign. Last evaluated: 2013-11-05. Review status: criteria provided, single submitter. Criteria: GeneDx Variant Classification (06012015). Collection method: clinical testing. Allele origin: germline. Affected: yes.
Comment: This variant is considered likely benign or benign based on one or more of the following criteria: it is a conservative change, it occurs at a poorly conserved position in the protein, it is predicted to be benign by multiple in silico algorithms, and/or has population frequency not consistent with disease.

Breakthrough Genomics
Classification: Benign. Review status: criteria provided, single submitter. Criteria: ACMG Guidelines, 2015. Collection method: not provided. Allele origin: germline. Inheritance: Autosomal dominant inheritance. Affected: yes.

NM_000834.5(GRIN2B):c.1126-12A>G

Gene: GRIN2B (glutamate ionotropic receptor NMDA type subunit 2B; minus strand). Cytogenetic location: 12p13.1.
Variant type: single nucleotide variant.
Coding change: c.1126-12A>G on transcript NM_000834.5 (MANE Select); 12 bases into the intron before coding-DNA position 1126, A replaced by G.
Molecular consequence: intron variant.
Genome position (GRCh38, 1-based): chr12:13,616,669, T>C on the plus strand (A>G on the coding strand, the complement: GRIN2B is on the minus strand). VCF-style: chr12-13616669-T-C. GRCh37 (hg19) VCF-style: chr12-13769603-T-C.
Identifiers: ClinVar variation 137517 (VCV000137517.10), dbSNP rs76777620, ClinGen allele CA291130.